The following is an entry in ClinVar:

NM_006904.7(PRKDC):c.11046A>C (p.Glu3682Asp)

Gene: PRKDC (protein kinase, DNA-activated, catalytic subunit; minus strand). Cytogenetic location: 8q11.21.
Variant type: single nucleotide variant.
Coding change: c.11046A>C on transcript NM_006904.7 (MANE Select); coding-DNA position 11046, A replaced by C.
Protein change: p.Glu3682Asp; replaces glutamic acid 3682 with aspartic acid.
Molecular consequence: missense variant.
Genome position (GRCh38, 1-based): chr8:47,785,174, T>G on the plus strand (A>C on the coding strand, the complement: PRKDC is on the minus strand). VCF-style: chr8-47785174-T-G. GRCh37 (hg19) VCF-style: chr8-48697735-T-G.
Other names: c.11046A>C, p.Glu3682Asp (NM_001081640.2); short protein forms E3682D.
Identifiers: ClinVar variation 2416531 (VCV002416531.6), dbSNP rs2551860893, ClinGen allele CA371130980.
Genomic context (GRCh38, chr8:47,785,174, plus strand): 5'-GGGAATCTCCAGCTCATTTCTCAGGAACTCCACTTTGAAGTCGCTCATCCAGGGTGAACA[T>G]TCTTTCAGATTCCCAGGGGGCTTTGAGTCTTTGTTCATTTTTAAAAGTAGCATGTTGGTA-3'
Protein context (NP_008835.5, residues 3672-3692): KDSKPPGNLK[Glu3682Asp]CSPWMSDFKV

ClinVar aggregate classification (germline): Uncertain significance (1 of 4 stars; one submission).

Conditions:
Severe combined immunodeficiency due to DNA-PKcs deficiency. Also called: IMMUNODEFICIENCY 26 WITH NEUROLOGIC ABNORMALITIES; Immunodeficiency 26 with or without neurologic abnormalities. Identifiers: Orphanet 317425, MedGen C4014833, MONDO:0014423, OMIM 615966.

Submission:

Labcorp Genetics (formerly Invitae), Labcorp
Classification: Uncertain significance for Severe combined immunodeficiency due to DNA-PKcs deficiency. Last evaluated: 2024-09-23. Review status: criteria provided, single submitter. Criteria: Invitae Variant Classification Sherloc (09022015). Collection method: clinical testing. Allele origin: germline.
Comment: This sequence change replaces glutamic acid, which is acidic and polar, with aspartic acid, which is acidic and polar, at codon 3682 of the PRKDC protein (p.Glu3682Asp). This variant is not present in population databases (gnomAD no frequency). This variant has not been reported in the literature in individuals affected with PRKDC-related conditions. ClinVar contains an entry for this variant (Variation ID: 2416531). Invitae Evidence Modeling of protein sequence and biophysical properties (such as structural, functional, and spatial information, amino acid conservation, physicochemical variation, residue mobility, and thermodynamic stability) indicates that this missense variant is not expected to disrupt PRKDC protein function with a negative predictive value of 80%. In summary, the available evidence is currently insufficient to determine the role of this variant in disease. Therefore, it has been classified as a Variant of Uncertain Significance.